The following is an entry in ClinVar:

NM_002474.3(MYH11):c.3874G>A (p.Val1292Ile)

Genes: MYH11 (myosin heavy chain 11; minus strand), NDE1 (nudE neurodevelopment protein 1; plus strand). Cytogenetic location: 16p13.11.
Variant type: single nucleotide variant.
Coding change: c.3874G>A on transcript NM_002474.3 (MANE Select); coding-DNA position 3874, G replaced by A.
Protein change: p.Val1292Ile; replaces valine 1292 with isoleucine.
Molecular consequence: missense variant. On other transcripts: 3 prime UTR variant (2).
Genome position (GRCh38, 1-based): chr16:15,724,977, C>T on the plus strand (G>A on the coding strand, the complement: MYH11 is on the minus strand). VCF-style: chr16-15724977-C-T. GRCh37 (hg19) VCF-style: chr16-15818834-C-T.
Other names: c.3895G>A, p.Val1299Ile (NM_001040113.2, NM_001040114.2); c.3874G>A, p.Val1292Ile (NM_022844.3); c.*726C>T (NM_001143979.2, NM_017668.3); short protein forms V1292I, V1299I.
Identifiers: ClinVar variation 547546 (VCV000547546.58), dbSNP rs151058774, ClinGen allele CA7921847.

ClinVar aggregate classification (germline): Conflicting classifications of pathogenicity. Review status: criteria provided, conflicting classifications (1 of 4 stars). 7 submissions from 7 submitters: Uncertain significance (6); Likely benign (1). Last evaluated 2025-01-21.

Conditions:
Familial thoracic aortic aneurysm and aortic dissection (TAAD). Also called: Thoracic aortic aneurysms and dissections. Identifiers: Orphanet 91387, MedGen C4707243, MONDO:0019625.
Aortic aneurysm, familial thoracic 4 (AAT4). Also called: AORTIC ANEURYSM/AORTIC DISSECTION AND PATENT DUCTUS ARTERIOSUS. Identifiers: MedGen C1851504, MONDO:0007568, OMIM 132900.
Connective tissue disorder. Also called: Connective tissue disease. Identifiers: MedGen C0009782, MONDO:0003900.

Allele frequency attached by ClinVar (database versions not stated): TOPMed 0.00009.
gnomAD v4.1: 79 of 1,613,880 alleles (0.0049%); highest among the groups gnomAD compares: East Asian, 0.013%; no homozygotes.

Submissions (7):

Labcorp Genetics (formerly Invitae), Labcorp
Classification: Uncertain significance for Aortic aneurysm, familial thoracic 4. Last evaluated: 2025-01-21. Review status: criteria provided, single submitter. Criteria: Invitae Variant Classification Sherloc (09022015). Collection method: clinical testing. Allele origin: germline.
Comment: This sequence change replaces valine, which is neutral and non-polar, with isoleucine, which is neutral and non-polar, at codon 1299 of the MYH11 protein (p.Val1299Ile). This variant is present in population databases (rs151058774, gnomAD 0.02%). This missense change has been observed in individual(s) with clinical features of MYH11-related conditions (PMID: 32368696; internal data). ClinVar contains an entry for this variant (Variation ID: 547546). Invitae Evidence Modeling of protein sequence and biophysical properties (such as structural, functional, and spatial information, amino acid conservation, physicochemical variation, residue mobility, and thermodynamic stability) indicates that this missense variant is not expected to disrupt MYH11 protein function with a negative predictive value of 95%. In summary, the available evidence is currently insufficient to determine the role of this variant in disease. Therefore, it has been classified as a Variant of Uncertain Significance.

All of Us Research Program, National Institutes of Health
Classification: Uncertain significance for Familial thoracic aortic aneurysm and aortic dissection. Last evaluated: 2024-08-13. Review status: criteria provided, single submitter. Criteria: ACMG Guidelines, 2015. Collection method: clinical testing. Allele origin: germline. Inheritance: Autosomal dominant inheritance. Observed: 15 variant alleles, 15 heterozygotes.
Comment: This missense variant replaces valine with isoleucine at codon 1299 of the MYH11 protein. Computational prediction suggests that this variant may not impact protein structure and function (internally defined REVEL score threshold <= 0.5, PMID: 27666373). To our knowledge, functional studies have not been reported for this variant. This variant has been reported in an individual affected with sporadic congenital heart disease with left ventricular outflow tract obstruction (PMID: 32368696). This variant has been identified in 11/282562 chromosomes in the general population by the Genome Aggregation Database (gnomAD). The available evidence is insufficient to determine the role of this variant in disease conclusively. Therefore, this variant is classified as a Variant of Uncertain Significance.

This study involves interpretation of variants in research participants for the purpose of population health screening. Participant phenotype was not available at the time of variant classification. Additional details can be found in publication PMID: 35346344, PMCID: PMC8962531

Color Diagnostics, LLC DBA Color Health
Classification: Uncertain significance for Familial thoracic aortic aneurysm and aortic dissection. Last evaluated: 2024-05-02. Review status: criteria provided, single submitter. Criteria: ACMG Guidelines, 2015. Collection method: clinical testing. Allele origin: germline.
Comment: This missense variant replaces valine with isoleucine at codon 1299 of the MYH11 protein. Computational prediction tools indicate that this variant has a neutral impact on protein structure and function. To our knowledge, functional studies have not been reported for this variant. This variant has been reported in one individual affected with sporadic congenital heart disease with left ventricular outflow tract obstruction (PMID: 32368696). This variant has been identified in 11/282562 chromosomes in the general population by the Genome Aggregation Database (gnomAD). The available evidence is insufficient to determine the role of this variant in disease conclusively. Therefore, this variant is classified as a Variant of Uncertain Significance.

Ambry Genetics
Classification: Uncertain significance for Familial thoracic aortic aneurysm and aortic dissection. Last evaluated: 2023-12-12. Review status: criteria provided, single submitter. Criteria: Ambry Variant Classification Scheme 2023. Collection method: clinical testing. Allele origin: germline.
Comment: The p.V1292I variant (also known as c.3874G>A), located in coding exon 28 of the MYH11 gene, results from a G to A substitution at nucleotide position 3874. The valine at codon 1292 is replaced by isoleucine, an amino acid with highly similar properties. This alteration has been reported in a congenital heart disease cohort (Edwards JJ et al. JACC Basic Transl Sci, 2020 Apr;5:376-386). This amino acid position is highly conserved in available vertebrate species. In addition, this alteration is predicted to be tolerated by in silico analysis. Since supporting evidence is limited at this time, the clinical significance of this alteration remains unclear.

GeneDx
Classification: Uncertain significance. Last evaluated: 2021-06-24. Review status: criteria provided, single submitter. Criteria: GeneDx Variant Classification Process June 2021. Collection method: clinical testing. Allele origin: germline. Affected: yes.
Comment: Has not been previously published as pathogenic or benign to our knowledge; In silico analysis supports that this missense variant does not alter protein structure/function; Reported in ClinVar as a variant of uncertain significance and as a likely benign variant (ClinVar Variant ID# 547546; Landrum et al., 2016); This variant is associated with the following publications: (PMID: 27535533)

CeGaT Center for Human Genetics Tuebingen
Classification: Uncertain significance. Last evaluated: 2018-04-01. Review status: criteria provided, single submitter. Criteria: CeGaT Center For Human Genetics Tuebingen Variant Classification Criteria Version 2. Collection method: clinical testing. Allele origin: germline. Affected: yes. Observed: 1 variant allele.

Center for Human Genetics, Inc
Classification: Likely benign for Connective tissue disorder. Last evaluated: 2016-11-01. Review status: criteria provided, single submitter. Criteria: ACMG Guidelines, 2015. Collection method: clinical testing. Allele origin: germline. Affected: yes.

Literature cited by the submitters: PubMed 32368696 (cited by 4 submitters).